The following is an entry in ClinVar:

ClinVar aggregate classification (germline): Benign. Review status: criteria provided, multiple submitters, no conflicts (2 of 4 stars). 2 submissions from 2 submitters: Benign (2). Last evaluated 2018-01-12.

Conditions:
Holoprosencephaly 11 (HPE11). Identifiers: Orphanet 2162, MedGen C3280215, MONDO:0013642, OMIM 614226.

Allele frequency attached by ClinVar (database versions not stated): 1000 Genomes Project 0.24900.

Submissions (2):

Illumina Laboratory Services, Illumina
Classification: Benign for Holoprosencephaly 11. Last evaluated: 2018-01-12. Review status: criteria provided, single submitter. Criteria: ICSL Variant Classification Criteria 13 December 2019. Collection method: clinical testing. Allele origin: germline.
Comment: This variant was observed in the ICSL laboratory as part of a predisposition screen in an ostensibly healthy population. It had not been previously curated by ICSL or reported in the Human Gene Mutation Database (HGMD: prior to June 1st, 2018), and was therefore a candidate for classification through an automated scoring system. Utilizing variant allele frequency, disease prevalence and penetrance estimates, and inheritance mode, an automated score was calculated to assess if this variant is too frequent to cause the disease. Based on the score and internal cut-off values, a variant classified as benign is not then subjected to further curation. The score for this variant resulted in a classification of benign for this disease.

Breakthrough Genomics
Classification: Benign. Review status: criteria provided, single submitter. Criteria: ACMG Guidelines, 2015. Collection method: not provided. Allele origin: germline. Inheritance: Autosomal dominant inheritance. Affected: yes.

NM_001378964.1(CDON):c.*2347T>C

Gene: CDON (cell adhesion associated, oncogene regulated; minus strand). Cytogenetic location: 11q24.2.
Variant type: single nucleotide variant.
Coding change: c.*2347T>C on transcript NM_001378964.1 (MANE Select); 2347 bases downstream of the stop codon, T replaced by C.
Molecular consequence: 3 prime UTR variant.
Genome position (GRCh38, 1-based): chr11:125,958,595, A>G on the plus strand (T>C on the coding strand, the complement: CDON is on the minus strand). VCF-style: chr11-125958595-A-G. GRCh37 (hg19) VCF-style: chr11-125828490-A-G.
Other names: c.*2347T>C (NM_001243597.3, NM_016952.6).
Identifiers: ClinVar variation 877665 (VCV000877665.5), dbSNP rs58515733, ClinGen allele CA230550497.